The following is an entry in ClinVar:

NM_152443.3(RDH12):c.703T>C (p.Ser235Pro)

Genes: GPHN (gephyrin; plus strand), RDH12 (retinol dehydrogenase 12; plus strand), ZFYVE26 (zinc finger FYVE-type containing 26; minus strand). Cytogenetic location: 14q24.1.
Variant type: single nucleotide variant.
Coding change: c.703T>C on transcript NM_152443.3 (MANE Select); coding-DNA position 703, T replaced by C.
Protein change: p.Ser235Pro; replaces serine 235 with proline.
Molecular consequence: missense variant.
Genome position (GRCh38, 1-based): chr14:67,729,235, T>C. VCF-style: chr14-67729235-T-C. GRCh37 (hg19) VCF-style: chr14-68195952-T-C.
Other names: short protein forms S235P.
Identifiers: ClinVar variation 5002626 (VCV005002626.1).

ClinVar aggregate classification (germline): Uncertain significance (1 of 4 stars; one submission).

Conditions:
RDH12-related disorder. Also called: RDH12-related disorders; RDH12-related condition.

gnomAD v4.1: 3 of 1,610,898 alleles (0.00019%); highest among the groups gnomAD compares: Non-Finnish European, 0.00025%; no homozygotes.

Submission:

PreventionGenetics, part of Exact Sciences
Classification: Uncertain significance for RDH12-related condition. Last evaluated: 2025-03-31. Review status: criteria provided, single submitter. Criteria: ACMG Guidelines, 2015. Collection method: clinical testing. Allele origin: germline.
Comment: The RDH12 c.703T>C variant is predicted to result in the amino acid substitution p.Ser235Pro. To our knowledge, this variant has not been reported in the literature or in a large population database (gnomAD), indicating this variant is rare. At this time, the clinical significance of this variant is uncertain due to the absence of conclusive functional and genetic evidence.